The following is an entry in ClinVar:

NM_001004748.1(OR51A2):c.214G>A (p.Asp72Asn)

Genes: MMP26 (matrix metallopeptidase 26; plus strand), OR51A2 (olfactory receptor family 51 subfamily A member 2; minus strand). Cytogenetic location: 11p15.4.
Variant type: single nucleotide variant.
Coding change: c.214G>A on transcript NM_001004748.1 (MANE Select); coding-DNA position 214, G replaced by A.
Protein change: p.Asp72Asn; replaces aspartic acid 72 with asparagine.
Molecular consequence: missense variant. On other transcripts: intron variant (2).
Genome position (GRCh38, 1-based): chr11:4,955,500, C>T on the plus strand (G>A on the coding strand, the complement: OR51A2 is on the minus strand). VCF-style: chr11-4955500-C-T. GRCh37 (hg19) VCF-style: chr11-4976730-C-T.
Other names: c.-144-32568C>T (NM_021801.5); c.-152-32770C>T (NM_001384608.1); short protein forms D72N.
Identifiers: ClinVar variation 2641537 (VCV002641537.24), dbSNP rs113733838, ClinGen allele CA5837603.

ClinVar aggregate classification (germline): Likely benign (1 of 4 stars; one submission).

Allele frequency attached by ClinVar (database versions not stated): ExAC 0.00316; ESP Exome Variant Server 0.00667.

Submission:

CeGaT Center for Human Genetics Tuebingen
Classification: Likely benign. Last evaluated: 2023-02-01. Review status: criteria provided, single submitter. Criteria: CeGaT Center For Human Genetics Tuebingen Variant Classification Criteria Version 2. Collection method: clinical testing. Allele origin: germline. Affected: yes. Observed: 1 variant allele.
Comment: OR51A2: BP4, BS2